The following is an entry in ClinVar:

ClinVar aggregate classification (germline): Likely benign. Review status: criteria provided, multiple submitters, no conflicts (2 of 4 stars). 3 submissions from 3 submitters: Likely benign (2). 1 of the submissions does not count toward it. Last evaluated 2025-12-15.

Conditions:
Beare-Stevenson cutis gyrata syndrome (BSTVS). Identifiers: Orphanet 1555, MedGen C1852406, MONDO:0007412, OMIM 123790.
Jackson-Weiss syndrome (JWS). Also called: CRANIOSYNOSTOSIS, MIDFACIAL HYPOPLASIA, AND FOOT ABNORMALITIES. Identifiers: Orphanet 1540, MedGen C0795998, MONDO:0007400, OMIM 123150. Disease mechanism: loss of function.
Levy-Hollister syndrome (LADD). Also called: LADD syndrome. Identifiers: Orphanet 2363, MedGen C0265269, MONDO:0007872.
Antley-Bixler syndrome without genital anomalies or disordered steroidogenesis (ABS2). Also called: Trapezoidocephaly synostosis syndrome; Osteodysgenesis, multisynostotic with fractures; Antley-Bixler Syndrome, Autosomal Dominant; MULTISYNOSTOTIC OSTEODYSGENESIS WITH LONG BONE FRACTURES. Identifiers: Orphanet 596008, Orphanet 83, MedGen C2936791, MONDO:0020667, OMIM 207410.
Acrocephalosyndactyly type I (ACS1). Also called: Acrocephalo-syndactyly type 1; ACS 1; Syndactylic oxycephaly; Apert syndrome. Identifiers: Orphanet 87, MedGen C0001193, MONDO:0007041, OMIM 101200.
Pfeiffer syndrome (ACS5). Also called: ACS V. Identifiers: Orphanet 710, MedGen C0220658, MONDO:0007043, OMIM 101600.
Crouzon syndrome. Also called: Craniofacial dysostosis type 1; Crouzon craniofacial dysostosis; Crouzon disease; CRANIOFACIAL DYSOSTOSIS, TYPE I; Craniofacial dysostosis. Identifiers: Orphanet 207, MedGen C0010273, MeSH D003394, MONDO:0007405, OMIM 123500, HP:0004439.
Gastric cancer. Also called: Stomach cancer; Malignant tumor of stomach. Identifiers: MedGen C0024623, MeSH D013274, MONDO:0001056, OMIM 613659, HP:0012126.
Bent bone dysplasia syndrome 1 (BBDS1). Also called: FGFR2-related bent bone dysplasia. Identifiers: Orphanet 313855, MedGen C3281247, MONDO:0013815, OMIM 614592.
Saethre-Chotzen syndrome (SCS). Also called: ACROCEPHALY, SKULL ASYMMETRY, AND MILD SYNDACTYLY; ACS III; CHOTZEN SYNDROME. Identifiers: Orphanet 794, MedGen C0175699, MONDO:0007042, OMIM 101400.
Familial scaphocephaly syndrome, McGillivray type. Also called: SCAPHOCEPHALY, MAXILLARY RETRUSION, AND IMPAIRED INTELLECTUAL DEVELOPMENT. Identifiers: Orphanet 168624, MedGen C1865070, MONDO:0012307, OMIM 609579.
FGFR2-related craniosynostosis. Identifiers: MedGen CN231480.

Allele frequency attached by ClinVar (database versions not stated): ExAC 0.00010; gnomAD exomes 0.00010 and 0.00022; gnomAD 0.00012 and 0.00013; TOPMed 0.00014; ESP Exome Variant Server 0.00015.
gnomAD v4.1: 355 of 1,614,060 alleles (0.022%); highest among the groups gnomAD compares: Non-Finnish European, 0.027%; no homozygotes.

Submissions (3):

Labcorp Genetics (formerly Invitae), Labcorp
Classification: Likely benign for FGFR2-related craniosynostosis. Last evaluated: 2025-12-15. Review status: criteria provided, single submitter. Criteria: Invitae Variant Classification Sherloc (09022015). Collection method: clinical testing. Allele origin: germline.

Fulgent Genetics
Classification: Likely benign for Acrocephalosyndactyly type I; Saethre-Chotzen syndrome; Pfeiffer syndrome; Jackson-Weiss syndrome; Crouzon syndrome; Beare-Stevenson cutis gyrata syndrome; LADD syndrome 1; Antley-Bixler syndrome without genital anomalies or disordered steroidogenesis; Familial scaphocephaly syndrome, McGillivray type; Gastric cancer; Bent bone dysplasia syndrome 1. Last evaluated: 2021-08-28. Review status: criteria provided, single submitter. Criteria: ACMG Guidelines, 2015. Collection method: clinical testing. Allele origin: unknown.

ITMI
No classification provided. Condition: AllHighlyPenetrant. Last evaluated: 2013-09-19. Review status: no classification provided. Collection method: reference population. Allele origin: germline. Not counted in ClinVar's aggregate classification.
Comment: Please see associated publication for description of ethnicities

Literature cited by the submitters: PubMed 24728327 (cited by ITMI).

NM_000141.5(FGFR2):c.748+18C>T

Gene: FGFR2 (fibroblast growth factor receptor 2; minus strand). Cytogenetic location: 10q26.13.
Variant type: single nucleotide variant.
Coding change: c.748+18C>T on transcript NM_000141.5 (MANE Select); 18 bases into the intron after coding-DNA position 748, C replaced by T.
Molecular consequence: intron variant.
Genome position (GRCh38, 1-based): chr10:121,538,574, G>A on the plus strand (C>T on the coding strand, the complement: FGFR2 is on the minus strand). VCF-style: chr10-121538574-G-A. GRCh37 (hg19) VCF-style: chr10-123298088-G-A.
Other names: c.748+18C>T (NM_001144914.1, NM_001144917.2, NM_001320658.2 and 3 more transcripts); c.403+18C>T (NM_001144918.2, NM_001441091.1, NM_001441090.1 and 1 more transcripts); c.481+18C>T (NM_001441089.1, NM_023029.3, NM_001441088.1 and 2 more transcripts).
Identifiers: ClinVar variation 135548 (VCV000135548.10), dbSNP rs377269009, ClinGen allele CA163005.